The following is an entry in ClinVar:

ClinVar aggregate classification (germline): Uncertain significance (1 of 4 stars; one submission).

Submission:

GeneDx
Classification: Uncertain significance. Last evaluated: 2025-06-27. Review status: criteria provided, single submitter. Criteria: GeneDx Variant Classification Process June 2021. Collection method: clinical testing. Allele origin: germline. Affected: yes.
Comment: Not observed at significant frequency in large population cohorts (gnomAD); In silico analysis suggests that this missense variant does not alter protein structure/function; Has not been previously published as pathogenic or benign to our knowledge

NM_001368397.1(FRMPD4):c.274G>C (p.Val92Leu)

Gene: FRMPD4 (FERM and PDZ domain containing 4; plus strand). Cytogenetic location: Xp22.2.
Variant type: single nucleotide variant.
Coding change: c.274G>C on transcript NM_001368397.1 (MANE Select); coding-DNA position 274, G replaced by C.
Protein change: p.Val92Leu; replaces valine 92 with leucine.
Molecular consequence: missense variant.
Genome position (GRCh38, 1-based): chrX:12,609,836, G>C. VCF-style: chrX-12609836-G-C. GRCh37 (hg19) VCF-style: chrX-12627955-G-C.
Other names: c.250G>C, p.Val84Leu (NM_001368401.1, NM_001368402.3); c.274G>C, p.Val92Leu (NM_014728.3, NM_001368396.3); c.385G>C, p.Val129Leu (NM_001368395.3, NM_001368398.3); c.265G>C, p.Val89Leu (NM_001368399.3); c.154G>C, p.Val52Leu (NM_001368400.3); short protein forms V129L, V52L, V84L, V89L, V92L.
Identifiers: ClinVar variation 4539910 (VCV004539910.1).